The following is an entry in ClinVar:

NC_000003.11:g.(?_196022857)_(196022960_?)del

Gene: DYNLT2B (dynein light chain Tctex-type 2B; minus strand). Cytogenetic location: 3q29.
Variant type: Deletion.
Identifiers: ClinVar variation 2427407 (VCV002427407.3).

ClinVar aggregate classification (germline): Uncertain significance (1 of 4 stars; one submission).

Submission:

Labcorp Genetics (formerly Invitae), Labcorp
Classification: Uncertain significance. Last evaluated: 2022-09-19. Review status: criteria provided, single submitter. Criteria: Invitae Variant Classification Sherloc (09022015). Collection method: clinical testing. Allele origin: germline.
Comment: In summary, the available evidence is currently insufficient to determine the role of this variant in disease. Therefore, it has been classified as a Variant of Uncertain Significance. Experimental studies and prediction algorithms are not available or were not evaluated, and the functional significance of this variant is currently unknown. This variant has not been reported in the literature in individuals affected with TCTEX1D2-related conditions. This variant is a gross deletion of the genomic region encompassing exon(s) 4 of the TCTEX1D2 gene. While this deletion is not anticipated to lead to nonsense mediated decay, it is expected to disrupt the C-terminus of the protein.